The following is an entry in ClinVar:

NM_001163278.2(TENM1):c.3186G>T (p.Val1062=)

Gene: TENM1 (teneurin transmembrane protein 1; minus strand). Cytogenetic location: Xq25.
Variant type: single nucleotide variant.
Coding change: c.3186G>T on transcript NM_001163278.2 (MANE Select); coding-DNA position 3186, G replaced by T.
Protein change: p.Val1062=; no amino-acid change (valine 1062 retained).
Molecular consequence: synonymous variant.
Genome position (GRCh38, 1-based): chrX:124,520,632, C>A on the plus strand (G>T on the coding strand, the complement: TENM1 is on the minus strand). VCF-style: chrX-124520632-C-A. GRCh37 (hg19) VCF-style: chrX-123654482-C-A.
Other names: c.3183G>T, p.Val1061= (NM_001163279.1); c.3186G>T, p.Val1062= (NM_014253.3).
Identifiers: ClinVar variation 3040268 (VCV003040268.2), dbSNP rs146802859, ClinGen allele CA10510003.

ClinVar aggregate classification (germline): Likely benign (0 of 4 stars; one submission).

Conditions:
TENM1-related disorder. Also called: TENM1-related condition.

Allele frequency attached by ClinVar (database versions not stated): TOPMed 0.00037; 1000 Genomes Project 30x 0.00042; gnomAD 0.00048; 1000 Genomes Project 0.00053; ExAC 0.00056; gnomAD exomes 0.00072; ESP Exome Variant Server 0.00076.
gnomAD v4.1: 832 of 1,208,851 alleles (0.069%); highest among the groups gnomAD compares: Non-Finnish European, 0.08%; no homozygotes.

Submission:

PreventionGenetics, part of Exact Sciences
Classification: Likely benign for TENM1-related condition. Last evaluated: 2019-09-24. Review status: no assertion criteria provided. Collection method: clinical testing. Allele origin: germline.
Comment: This variant is classified as likely benign based on ACMG/AMP sequence variant interpretation guidelines (Richards et al. 2015 PMID: 25741868, with internal and published modifications).